The following is an entry in ClinVar:

NM_003745.2(SOCS1):c.469G>A (p.Ala157Thr)

Gene: SOCS1 (suppressor of cytokine signaling 1; minus strand). Cytogenetic location: 16p13.13.
Variant type: single nucleotide variant.
Coding change: c.469G>A on transcript NM_003745.2 (MANE Select); coding-DNA position 469, G replaced by A.
Protein change: p.Ala157Thr; replaces alanine 157 with threonine.
Molecular consequence: missense variant.
Genome position (GRCh38, 1-based): chr16:11,255,010, C>T on the plus strand (G>A on the coding strand, the complement: SOCS1 is on the minus strand). VCF-style: chr16-11255010-C-T. GRCh37 (hg19) VCF-style: chr16-11348867-C-T.
Other names: short protein forms A157T.
Identifiers: ClinVar variation 5041281 (VCV005041281.1).

ClinVar aggregate classification (germline): Likely benign (1 of 4 stars; one submission).

gnomAD v4.1: 122 of 1,581,396 alleles (0.0077%); highest among the groups gnomAD compares: Admixed American, 0.21%; no homozygotes.

Submission:

CeGaT Center for Human Genetics Tuebingen
Classification: Likely benign. Last evaluated: 2026-09-01. Review status: criteria provided, single submitter. Criteria: CeGaT Center For Human Genetics Tuebingen Variant Classification Criteria Version 2. Collection method: clinical testing. Allele origin: germline. Affected: yes. Observed: 1 variant allele.
Comment: SOCS1: BS1